The following is an entry in ClinVar:

ClinVar aggregate classification (germline): Pathogenic (1 of 4 stars; one submission).

Conditions:
Ehlers-Danlos syndrome, classic type, 1 (EDSCL1). Also called: EHLERS-DANLOS SYNDROME, GRAVIS TYPE; EHLERS-DANLOS SYNDROME, SEVERE CLASSIC TYPE; Ehlers-Danlos syndrome, type 1; Ehlers-Danlos Syndrome, Classic Type, COL5A1-Related; EDS I. Identifiers: MedGen C0268335, MONDO:0019567, OMIM 130000.

Submission:

Labcorp Genetics (formerly Invitae), Labcorp
Classification: Pathogenic for Ehlers-Danlos syndrome, classic type, 1. Last evaluated: 2020-10-30. Review status: criteria provided, single submitter. Criteria: Invitae Variant Classification Sherloc (09022015). Collection method: clinical testing. Allele origin: germline.
Comment: For these reasons, this variant has been classified as Pathogenic. This variant has not been reported in the literature in individuals with COL5A1-related conditions. This variant is not present in population databases (ExAC no frequency). This sequence change creates a premature translational stop signal (p.Pro1278Argfs*10) in the COL5A1 gene. It is expected to result in an absent or disrupted protein product. Loss-of-function variants in COL5A1 are known to be pathogenic (PMID: 23587214).

Literature cited by the submitters: PubMed 23587214.

NM_000093.5(COL5A1):c.3833_3846del (p.Pro1278fs)

Gene: COL5A1 (collagen type V alpha 1 chain; plus strand). Cytogenetic location: 9q34.3.
Variant type: Deletion.
Coding change: c.3833_3846del on transcript NM_000093.5 (MANE Select); coding-DNA positions 3833 to 3846, 14 bases deleted (CTGGTGCAGTGGGA).
Protein change: p.Pro1278fs; shifts the reading frame from proline 1278.
Molecular consequence: frameshift variant.
Genome position (GRCh38, 1-based): chr9:134,812,693-134,812,706, CTGGTGCAGTGGGA deleted. VCF-style (leftmost placement, unchanged base first): chr9-134812692-CCTGGTGCAGTGGGA-C. GRCh37 (hg19) VCF-style: chr9-137704538-CCTGGTGCAGTGGGA-C.
Other names: c.3833_3846del, p.Pro1278fs (NM_001278074.1); short protein forms P1278fs.
Identifiers: ClinVar variation 1454623 (VCV001454623.6), dbSNP rs2132848313, ClinGen allele CA2573144151.